The following is an entry in ClinVar:

NM_000245.4(MET):c.2103-7T>G

Gene: MET (MET proto-oncogene, receptor tyrosine kinase; plus strand). Cytogenetic location: 7q31.2.
Variant type: single nucleotide variant.
Coding change: c.2103-7T>G on transcript NM_000245.4 (MANE Select); 7 bases into the intron before coding-DNA position 2103, T replaced by G.
Molecular consequence: intron variant.
Genome position (GRCh38, 1-based): chr7:116,758,452, T>G. VCF-style: chr7-116758452-T-G. GRCh37 (hg19) VCF-style: chr7-116398506-T-G.
Other names: c.2103-7T>G (NM_001127500.3, NM_001324401.3, NM_001127500.2); c.813-7T>G (NM_001324402.2).
Identifiers: ClinVar variation 700867 (VCV000700867.10), dbSNP rs953588907, ClinGen allele CA164894192.

ClinVar aggregate classification (germline): Likely benign. Review status: criteria provided, single submitter (1 of 4 stars). 2 submissions from 2 submitters: Likely benign (1). 1 of the submissions does not count toward it. Last evaluated 2026-01-10.

Conditions:
MET-related disorder. Also called: MET-related condition.
Renal cell carcinoma. Identifiers: Orphanet 217071, MedGen C0007134, MeSH D002292, MONDO:0005086, HP:0005584.

Allele frequency attached by ClinVar (database versions not stated): TOPMed 0.00001; gnomAD 0.00001; gnomAD exomes 0.00001.

Submissions (2):

Labcorp Genetics (formerly Invitae), Labcorp
Classification: Likely benign for Renal cell carcinoma. Last evaluated: 2026-01-10. Review status: criteria provided, single submitter. Criteria: Invitae Variant Classification Sherloc (09022015). Collection method: clinical testing. Allele origin: germline.

PreventionGenetics, part of Exact Sciences
Classification: Likely benign for MET-related condition. Last evaluated: 2024-07-31. Review status: no assertion criteria provided. Collection method: clinical testing. Allele origin: germline. Not counted in ClinVar's aggregate classification.
Comment: This variant is classified as likely benign based on ACMG/AMP sequence variant interpretation guidelines (Richards et al. 2015 PMID: 25741868, with internal and published modifications).